The following is an entry in ClinVar:

ClinVar aggregate classification (germline): Benign. Review status: criteria provided, multiple submitters, no conflicts (2 of 4 stars). 6 submissions from 6 submitters: Benign (6). Last evaluated 2026-02-04.

Conditions:
Imerslund-Grasbeck syndrome. Also called: ENTEROCYTE COBALAMIN MALABSORPTION; ENTEROCYTE INTRINSIC FACTOR RECEPTOR, DEFECT OF; Imerslund-Gräsbeck syndrome; PERNICIOUS ANEMIA, JUVENILE, DUE TO SELECTIVE INTESTINAL MALABSORPTION OF VITAMIN B12, WITH PROTEINURIA; Megaloblastic anemia due to inborn errors of metabolism. Identifiers: Orphanet 35858, MedGen C4551825, MONDO:0009853.
Imerslund-Grasbeck syndrome type 1 (IGS1). Also called: Megaloblastic anemia 1, Finnish type; MEGALOBLASTIC ANEMIA, 1; Imerslund-Gräsbeck syndrome 1. Identifiers: MedGen C4016819, MONDO:0100156, OMIM 261100.

Allele frequency attached by ClinVar (database versions not stated): ESP Exome Variant Server 0.99992; gnomAD 0.99996 and 0.99997; TOPMed 0.99997; ExAC 0.99998; gnomAD exomes 0.99999 and 1.00000; 1000 Genomes Project 1.00000; 1000 Genomes Project 30x 1.00000.
gnomAD v4.1: 1,614,165 of 1,614,172 alleles (100%); highest among the groups gnomAD compares: Middle Eastern, 100%; 807,079 homozygotes.

Submissions (6):

Labcorp Genetics (formerly Invitae), Labcorp
Classification: Benign for Imerslund-Grasbeck syndrome. Last evaluated: 2026-02-04. Review status: criteria provided, single submitter. Criteria: Invitae Variant Classification Sherloc (09022015). Collection method: clinical testing. Allele origin: germline.

Blueprint Genetics
Classification: Benign. Last evaluated: 2024-11-27. Review status: criteria provided, single submitter. Criteria: ACMG Guidelines, 2015. Collection method: clinical testing. Allele origin: germline.

Genome-Nilou Lab
Classification: Benign for Imerslund-Grasbeck syndrome type 1. Last evaluated: 2021-07-30. Review status: criteria provided, single submitter. Criteria: ACMG Guidelines, 2015. Collection method: clinical testing. Allele origin: germline. Affected: no.

GeneDx
Classification: Benign. Last evaluated: 2018-06-13. Review status: criteria provided, single submitter. Criteria: GeneDx Variant Classification (06012015). Collection method: clinical testing. Allele origin: germline. Affected: yes.
Comment: This variant is considered likely benign or benign based on one or more of the following criteria: it is a conservative change, it occurs at a poorly conserved position in the protein, it is predicted to be benign by multiple in silico algorithms, and/or has population frequency not consistent with disease.

Illumina Laboratory Services, Illumina
Classification: Benign for Imerslund-Grasbeck syndrome type 1. Last evaluated: 2018-01-12. Review status: criteria provided, single submitter. Criteria: ICSL Variant Classification Criteria 13 December 2019. Collection method: clinical testing. Allele origin: germline.
Comment: This variant was observed in the ICSL laboratory as part of a predisposition screen in an ostensibly healthy population. It had not been previously curated by ICSL or reported in the Human Gene Mutation Database (HGMD: prior to June 1st, 2018), and was therefore a candidate for classification through an automated scoring system. Utilizing variant allele frequency, disease prevalence and penetrance estimates, and inheritance mode, an automated score was calculated to assess if this variant is too frequent to cause the disease. Based on the score and internal cut-off values, a variant classified as benign is not then subjected to further curation. The score for this variant resulted in a classification of benign for this disease.

Breakthrough Genomics
Classification: Benign. Review status: criteria provided, single submitter. Criteria: ACMG Guidelines, 2015. Collection method: not provided. Allele origin: germline. Inheritance: Autosomal recessive inheritance. Affected: yes.

NM_001081.4(CUBN):c.8150C>G (p.Ser2717Trp)

Gene: CUBN (cubilin; minus strand). Cytogenetic location: 10p13.
Variant type: single nucleotide variant.
Coding change: c.8150C>G on transcript NM_001081.4 (MANE Select); coding-DNA position 8150, C replaced by G.
Protein change: p.Ser2717Trp; replaces serine 2717 with tryptophan.
Molecular consequence: missense variant.
Genome position (GRCh38, 1-based): chr10:16,901,372, G>C on the plus strand (C>G on the coding strand, the complement: CUBN is on the minus strand). VCF-style: chr10-16901372-G-C. GRCh37 (hg19) VCF-style: chr10-16943371-G-C.
Other names: short protein forms S2717W.
Identifiers: ClinVar variation 299409 (VCV000299409.19), dbSNP rs2796835, ClinGen allele CA5423109.
Genomic context (GRCh38, chr10:16,901,372, plus strand): 5'-CATTTCACCCAGTCATTAGCACTCACAGTGATGGTGTGCCCTTGTGGGGCCTCCAACAGC[G>C]AAGAGCAGTGGGTCAGGCTGTCATAAGCATTTGGATAGTTGGGGCTTGTGATCACTCCAC-3'
Protein context (NP_001072.2, residues 2707-2727): NAYDSLTHCS[Ser2717Trp]LLEAPQGHTI